The following is an entry in ClinVar:

NM_001458.5(FLNC):c.6909G>C (p.Gln2303His)

Genes: FLNC-AS1 (FLNC antisense RNA 1; minus strand), FLNC (filamin C; plus strand). Cytogenetic location: 7q32.1.
Variant type: single nucleotide variant.
Coding change: c.6909G>C on transcript NM_001458.5 (MANE Select); coding-DNA position 6909, G replaced by C.
Protein change: p.Gln2303His; replaces glutamine 2303 with histidine.
Molecular consequence: missense variant.
Genome position (GRCh38, 1-based): chr7:128,854,594, G>C. VCF-style: chr7-128854594-G-C. GRCh37 (hg19) VCF-style: chr7-128494648-G-C.
Other names: c.6810G>C, p.Gln2270His (NM_001127487.2); short protein forms Q2303H, Q2270H.
Identifiers: ClinVar variation 2135801 (VCV002135801.4), dbSNP rs1437780249, ClinGen allele CA369214152.

ClinVar aggregate classification (germline): Uncertain significance (1 of 4 stars; one submission).

Conditions:
Distal myopathy with posterior leg and anterior hand involvement. Also called: WILLIAMS DISTAL MYOPATHY. Identifiers: Orphanet 63273, MedGen C3279722, MONDO:0013550, OMIM 614065.
Hypertrophic cardiomyopathy 26. Also called: Cardiomyopathy, familial hypertrophic, 26. Identifiers: Orphanet 75249, MedGen C4310749, MONDO:0014883, OMIM 617047.
Myofibrillar myopathy 5. Also called: Filaminopathy (type); FILAMINOPATHY, AUTOSOMAL DOMINANT. Identifiers: Orphanet 171445, MedGen C1836050, MONDO:0012289, OMIM 609524.

Submission:

Labcorp Genetics (formerly Invitae), Labcorp
Classification: Uncertain significance for Distal myopathy with posterior leg and anterior hand involvement; Myofibrillar myopathy 5; Hypertrophic cardiomyopathy 26. Last evaluated: 2022-05-13. Review status: criteria provided, single submitter. Criteria: Invitae Variant Classification Sherloc (09022015). Collection method: clinical testing. Allele origin: germline.
Comment: In summary, the available evidence is currently insufficient to determine the role of this variant in disease. Therefore, it has been classified as a Variant of Uncertain Significance. Algorithms developed to predict the effect of missense changes on protein structure and function are either unavailable or do not agree on the potential impact of this missense change (SIFT: "Deleterious"; PolyPhen-2: "Probably Damaging"; Align-GVGD: "Class C0"). This variant has not been reported in the literature in individuals affected with FLNC-related conditions. This variant is not present in population databases (gnomAD no frequency). This sequence change replaces glutamine, which is neutral and polar, with histidine, which is basic and polar, at codon 2303 of the FLNC protein (p.Gln2303His).